The following is an entry in ClinVar:

ClinVar aggregate classification (germline): Uncertain significance. Review status: criteria provided, multiple submitters, no conflicts (2 of 4 stars). 2 submissions from 2 submitters: Uncertain significance (2). Last evaluated 2024-03-11.

Conditions:
DICER1-related tumor predisposition. Also called: DICER1-related pleuropulmonary blastoma cancer predisposition syndrome; DICER1 syndrome. Identifiers: Orphanet 284343, MedGen C3839822, MONDO:0100216.
Hereditary cancer-predisposing syndrome. Also called: Hereditary Cancer Syndrome; Tumor predisposition; Hereditary neoplastic syndrome; Neoplastic Syndromes, Hereditary. Identifiers: Orphanet 140162, MedGen C0027672, MeSH D009386, MONDO:0015356.

Allele frequency attached by ClinVar (database versions not stated): TOPMed 0.00001.
gnomAD v4.1: 3 of 1,614,104 alleles (0.00019%); highest among the groups gnomAD compares: African/African-American, 0.004%; no homozygotes.

Submissions (2):

Ambry Genetics
Classification: Uncertain significance for Hereditary cancer-predisposing syndrome. Last evaluated: 2024-03-11. Review status: criteria provided, single submitter. Criteria: Ambry Variant Classification Scheme 2023. Collection method: clinical testing. Allele origin: germline.
Comment: The p.L1271R variant (also known as c.3812T>G), located in coding exon 20 of the DICER1 gene, results from a T to G substitution at nucleotide position 3812. The leucine at codon 1271 is replaced by arginine, an amino acid with dissimilar properties. This amino acid position is not well conserved in available vertebrate species. In addition, this alteration is predicted to be tolerated by in silico analysis. Based on the available evidence, the clinical significance of this alteration remains unclear.

Labcorp Genetics (formerly Invitae), Labcorp
Classification: Uncertain significance for DICER1-related tumor predisposition. Last evaluated: 2023-09-27. Review status: criteria provided, single submitter. Criteria: Invitae Variant Classification Sherloc (09022015). Collection method: clinical testing. Allele origin: germline.
Comment: This sequence change replaces leucine, which is neutral and non-polar, with arginine, which is basic and polar, at codon 1271 of the DICER1 protein (p.Leu1271Arg). This variant is not present in population databases (gnomAD no frequency). This variant has not been reported in the literature in individuals affected with DICER1-related conditions. ClinVar contains an entry for this variant (Variation ID: 1051430). Algorithms developed to predict the effect of missense changes on protein structure and function output the following: SIFT: "Not Available"; PolyPhen-2: "Benign"; Align-GVGD: "Not Available". The arginine amino acid residue is found in multiple mammalian species, which suggests that this missense change does not adversely affect protein function. In summary, the available evidence is currently insufficient to determine the role of this variant in disease. Therefore, it has been classified as a Variant of Uncertain Significance.

NM_177438.3(DICER1):c.3812T>G (p.Leu1271Arg)

Gene: DICER1 (dicer 1, ribonuclease III; minus strand). Cytogenetic location: 14q32.13.
Variant type: single nucleotide variant.
Coding change: c.3812T>G on transcript NM_177438.3 (MANE Select); coding-DNA position 3812, T replaced by G.
Protein change: p.Leu1271Arg; replaces leucine 1271 with arginine.
Molecular consequence: missense variant.
Genome position (GRCh38, 1-based): chr14:95,103,584, A>C on the plus strand (T>G on the coding strand, the complement: DICER1 is on the minus strand). VCF-style: chr14-95103584-A-C. GRCh37 (hg19) VCF-style: chr14-95569921-A-C.
Other names: c.3812T>G, p.Leu1271Arg (NM_001195573.1, NM_001271282.3, NM_001291628.2 and 1 more transcripts); short protein forms L1271R.
Identifiers: ClinVar variation 1051430 (VCV001051430.12), dbSNP rs1178292163, ClinGen allele CA390873393.